The following is an entry in ClinVar:

NM_004744.5(LRAT):c.111C>G (p.Asn37Lys)

Gene: LRAT (lecithin retinol acyltransferase; plus strand). Cytogenetic location: 4q32.1.
Variant type: single nucleotide variant.
Coding change: c.111C>G on transcript NM_004744.5 (MANE Select); coding-DNA position 111, C replaced by G.
Protein change: p.Asn37Lys; replaces asparagine 37 with lysine.
Molecular consequence: missense variant.
Genome position (GRCh38, 1-based): chr4:154,744,437, C>G. VCF-style: chr4-154744437-C-G. GRCh37 (hg19) VCF-style: chr4-155665589-C-G.
Other names: c.111C>G (NM_004744.3); c.111C>G, p.Asn37Lys (NM_001301645.2); short protein forms N37K.
Identifiers: ClinVar variation 945311 (VCV000945311.9), dbSNP rs995895723, ClinGen allele CA108930200.

ClinVar aggregate classification (germline): Uncertain significance. Review status: criteria provided, multiple submitters, no conflicts (2 of 4 stars). 4 submissions from 4 submitters: Uncertain significance (4). Last evaluated 2025-01-13.

Conditions:
Leber congenital amaurosis 14 (LCA14). Identifiers: MedGen C2750063, MONDO:0013231, OMIM 613341.
Retinitis pigmentosa (RP). Identifiers: Orphanet 791, MedGen C0035334, MeSH D012174, MONDO:0019200, OMIM 268000. Inheritance: Autosomal dominant, autosomal recessive and X linked inheritance.
Inborn genetic diseases. Identifiers: MedGen C0950123, MeSH D030342.
Retinal dystrophy. Also called: Inherited retinal dystrophy. Identifiers: Orphanet 71862, MedGen C0854723, MeSH D058499, MONDO:0019118, HP:0000556.

Allele frequency attached by ClinVar (database versions not stated): gnomAD exomes below 0.00001; TOPMed 0.00001.
gnomAD v4.1: 43 of 1,614,112 alleles (0.0027%); highest among the groups gnomAD compares: East Asian, 0.0045%; no homozygotes.

Submissions (4):

Labcorp Genetics (formerly Invitae), Labcorp
Classification: Uncertain significance. Last evaluated: 2025-01-13. Review status: criteria provided, single submitter. Criteria: Invitae Variant Classification Sherloc (09022015). Collection method: clinical testing. Allele origin: germline.
Comment: This sequence change replaces asparagine, which is neutral and polar, with lysine, which is basic and polar, at codon 37 of the LRAT protein (p.Asn37Lys). This variant is present in population databases (no rsID available, gnomAD 0.0009%). This variant has not been reported in the literature in individuals affected with LRAT-related conditions. ClinVar contains an entry for this variant (Variation ID: 945311). An algorithm developed to predict the effect of missense changes on protein structure and function outputs the following: PolyPhen-2: "Benign". The lysine amino acid residue is found in multiple mammalian species, which suggests that this missense change does not adversely affect protein function. In summary, the available evidence is currently insufficient to determine the role of this variant in disease. Therefore, it has been classified as a Variant of Uncertain Significance.

Dept Of Ophthalmology, Nagoya University
Classification: Uncertain significance for Retinal dystrophy. Last evaluated: 2023-10-01. Review status: criteria provided, single submitter. Criteria: Submitter's publication. Collection method: research. Allele origin: germline. Affected: yes.

Ambry Genetics
Classification: Uncertain significance for Inborn genetic diseases. Last evaluated: 2022-07-12. Review status: criteria provided, single submitter. Criteria: Ambry Variant Classification Scheme 2023. Collection method: clinical testing. Allele origin: germline.

Department of Pathology and Laboratory Medicine, Sinai Health System
Classification: Uncertain significance for Retinitis pigmentosa; Leber congenital amaurosis 14. Last evaluated: 2021-07-30. Review status: criteria provided, single submitter. Criteria: ACMG Guidelines, 2015. Collection method: research. Allele origin: germline.